The following is an entry in ClinVar:

NM_198271.5(LMOD3):c.1234G>A (p.Glu412Lys)

Gene: LMOD3 (leiomodin 3; minus strand). Cytogenetic location: 3p14.1.
Variant type: single nucleotide variant.
Coding change: c.1234G>A on transcript NM_198271.5 (MANE Select); coding-DNA position 1234, G replaced by A.
Protein change: p.Glu412Lys; replaces glutamic acid 412 with lysine.
Molecular consequence: missense variant.
Genome position (GRCh38, 1-based): chr3:69,119,121, C>T on the plus strand (G>A on the coding strand, the complement: LMOD3 is on the minus strand). VCF-style: chr3-69119121-C-T. GRCh37 (hg19) VCF-style: chr3-69168272-C-T.
Other names: c.1234G>A, p.Glu412Lys (NM_001304418.3); short protein forms E412K.
Identifiers: ClinVar variation 1473883 (VCV001473883.8), dbSNP rs2107526085, ClinGen allele CA353472078.

ClinVar aggregate classification (germline): Uncertain significance (1 of 4 stars; one submission).

Conditions:
Nemaline myopathy 10 (NEM10). Identifiers: MedGen C4015360, MONDO:0014513, OMIM 616165.

Allele frequency attached by ClinVar (database versions not stated): gnomAD exomes below 0.00001.

Submission:

Labcorp Genetics (formerly Invitae), Labcorp
Classification: Uncertain significance for Nemaline myopathy 10. Last evaluated: 2021-03-30. Review status: criteria provided, single submitter. Criteria: Invitae Variant Classification Sherloc (09022015). Collection method: clinical testing. Allele origin: germline.
Comment: In summary, the available evidence is currently insufficient to determine the role of this variant in disease. Therefore, it has been classified as a Variant of Uncertain Significance. Algorithms developed to predict the effect of missense changes on protein structure and function (SIFT, PolyPhen-2, Align-GVGD) all suggest that this variant is likely to be disruptive, but these predictions have not been confirmed by published functional studies and their clinical significance is uncertain. This variant has not been reported in the literature in individuals with LMOD3-related conditions. This variant is not present in population databases (ExAC no frequency). This sequence change replaces glutamic acid with lysine at codon 412 of the LMOD3 protein (p.Glu412Lys). The glutamic acid residue is highly conserved and there is a small physicochemical difference between glutamic acid and lysine.